The following is an entry in ClinVar:

NM_178822.5(IGSF10):c.6634_6635del (p.Val2212fs)

Gene: IGSF10 (immunoglobulin superfamily member 10; minus strand). Cytogenetic location: 3q25.1.
Variant type: Deletion.
Coding change: c.6634_6635del on transcript NM_178822.5 (MANE Select); coding-DNA positions 6634 to 6635, 2 bases deleted (GT; older notation c.6634_6635delGT).
Protein change: p.Val2212fs; shifts the reading frame from valine 2212.
Molecular consequence: frameshift variant.
Genome position (GRCh38, 1-based): chr3:151,437,926-151,437,927, AC deleted on the plus strand (GT on the coding strand, the reverse complement: IGSF10 is on the minus strand). VCF-style (leftmost placement, unchanged base first): chr3-151437925-TAC-T. GRCh37 (hg19) VCF-style: chr3-151155713-TAC-T.
Other names: c.571_572del, p.Val191fs (NM_001178145.3, NM_001178146.3); c.6634_6635del, p.Val2212fs (NM_001385060.1, NM_001385061.1, NM_001385062.1 and 1 more transcripts); short protein forms V2212fs, V191fs.
Identifiers: ClinVar variation 1406850 (VCV001406850.6), dbSNP rs777786280, ClinGen allele CA2669464.

ClinVar aggregate classification (germline): Uncertain significance (1 of 4 stars; one submission).

Allele frequency attached by ClinVar (database versions not stated): TOPMed 0.00001; gnomAD exomes 0.00002; ExAC 0.00004.

Submission:

Labcorp Genetics (formerly Invitae), Labcorp
Classification: Uncertain significance. Last evaluated: 2022-03-22. Review status: criteria provided, single submitter. Criteria: Invitae Variant Classification Sherloc (09022015). Collection method: clinical testing. Allele origin: germline.
Comment: In summary, the available evidence is currently insufficient to determine the role of this variant in disease. Therefore, it has been classified as a Variant of Uncertain Significance. This sequence change creates a premature translational stop signal (p.Val2212Metfs*10) in the IGSF10 gene. While this is not anticipated to result in nonsense mediated decay, it is expected to disrupt the last 412 amino acid(s) of the IGSF10 protein. This variant is present in population databases (rs777786280, gnomAD 0.004%). This variant has not been reported in the literature in individuals affected with IGSF10-related conditions. Experimental studies and prediction algorithms are not available or were not evaluated, and the functional significance of this variant is currently unknown.